The following is an entry in ClinVar:

ClinVar aggregate classification (germline): Uncertain significance (1 of 4 stars; one submission).

Conditions:
DYRK1A-related intellectual disability syndrome (MRD7). Also called: DYRK1A Syndrome; Intellectual developmental disorder, autosomal dominant 7. Identifiers: Orphanet 464306, MedGen C5568143, MONDO:0013578, OMIM 614104.

Submission:

Laboratorio de Genetica e Diagnostico Molecular, Hospital Israelita Albert Einstein
Classification: Uncertain significance for DYRK1A-related intellectual disability syndrome. Last evaluated: 2024-10-11. Review status: criteria provided, single submitter. Criteria: ACMG Guidelines, 2015. Collection method: clinical testing. Allele origin: germline. Affected: yes.
Comment: ACMG classification criteria: PM2 supporting, PP2 supporting, BP4 supporting

NM_001347721.2(DYRK1A):c.1912G>C (p.Glu638Gln)

Gene: DYRK1A (dual specificity tyrosine phosphorylation regulated kinase 1A; plus strand). Cytogenetic location: 21q22.13.
Variant type: single nucleotide variant.
Coding change: c.1912G>C on transcript NM_001347721.2 (MANE Select); coding-DNA position 1912, G replaced by C.
Protein change: p.Glu638Gln; replaces glutamic acid 638 with glutamine.
Molecular consequence: missense variant. On other transcripts: 3 prime UTR variant (2).
Genome position (GRCh38, 1-based): chr21:37,512,178, G>C. VCF-style: chr21-37512178-G-C. GRCh37 (hg19) VCF-style: chr21-38884481-G-C.
Other names: c.1912G>C, p.Glu638Gln (NM_001347722.2, NM_130436.2); c.1825G>C, p.Glu609Gln (NM_001347723.2); c.1939G>C, p.Glu647Gln (NM_001396.5); c.*315G>C (NM_101395.2); c.*224G>C (NM_130438.2); short protein forms E609Q, E638Q, E647Q.
Identifiers: ClinVar variation 3901974 (VCV003901974.1).